The following is an entry in ClinVar:

NC_000013.10:g.(32921034_32928997)_(32945238_32950806)dup

Gene: BRCA2 (BRCA2 DNA repair associated; plus strand). Cytogenetic location: 13q13.1.
Variant type: Duplication.
Identifiers: ClinVar variation 1698526 (VCV001698526.1).

ClinVar aggregate classification (germline): Likely pathogenic (1 of 4 stars; one submission).

Conditions:
Hereditary breast ovarian cancer syndrome. Also called: Hereditary breast and ovarian cancer syndrome; Breast and ovarian cancer; Hereditary breast and ovarian cancer; Hereditary breast and/or ovarian cancer syndrome; Hereditary breast and ovarian cancer syndrome (HBOC); BRCA1- and BRCA2-Associated Hereditary Breast and Ovarian Cancer. Identifiers: Orphanet 145, MedGen C0677776, MeSH D061325, MONDO:0003582. Disease mechanism: loss of function.

Submission:

Women's Health and Genetics/Laboratory Corporation of America, LabCorp
Classification: Likely pathogenic for Hereditary breast ovarian cancer syndrome. Last evaluated: 2022-06-09. Review status: criteria provided, single submitter. Criteria: LabCorp Variant Classification Summary - May 2015. Collection method: clinical testing. Allele origin: germline.
Comment: Variant summary: The variant identified by MLPA or other technology involves the duplication of exons 14-20 in the BRCA2 gene. A presumed nomenclature of c.(7007+1_7008-1)_(8632+1_8633-1)dup has been designated for the purposes of this classification. It has been assumed that this is a tandem duplication in direct orientation (Richardson_GIM_2018, Newman_AJHG_2015). Although exact breakpoints of this duplication are not known, it is expected to result in a frameshift in the BRCA2 gene. The variant was absent in 21692 control chromosomes (gnomAD database, structural variants dataset). The available data on variant occurrences in the general population are insufficient to allow any conclusion about variant significance. To our knowledge, no occurrence of c.(7007+1_7008-1)_(8632+1_8633-1)dup in individuals affected with Hereditary Breast and Ovarian Cancer Syndrome and no experimental evidence demonstrating its impact on protein function have been reported. No clinical diagnostic laboratories have submitted clinical-significance assessments for this variant to ClinVar after 2014. Based on the evidence outlined above, the variant was classified as likely pathogenic.